The following is an entry in ClinVar:

ClinVar aggregate classification (germline): Uncertain significance (1 of 4 stars; one submission).

Conditions:
Hereditary diffuse gastric adenocarcinoma (HDGC). Also called: DIFFUSE GASTRIC AND LOBULAR BREAST CANCER SYNDROME. Identifiers: Orphanet 26106, MedGen C1708349, MONDO:0007648, OMIM 137215.

Submission:

Labcorp Genetics (formerly Invitae), Labcorp
Classification: Uncertain significance for Hereditary diffuse gastric adenocarcinoma. Last evaluated: 2018-10-05. Review status: criteria provided, single submitter. Criteria: Invitae Variant Classification Sherloc (09022015). Collection method: clinical testing. Allele origin: germline.
Comment: In summary, the available evidence is currently insufficient to determine the role of this variant in disease. Therefore, it has been classified as a Variant of Uncertain Significance. Algorithms developed to predict the effect of missense changes on protein structure and function output the following: SIFT: "Tolerated"; PolyPhen-2: "Benign"; Align-GVGD: "Class C0". The leucine amino acid residue is found in multiple mammalian species, suggesting that this missense change does not adversely affect protein function. These predictions have not been confirmed by published functional studies and their clinical significance is uncertain. This variant has not been reported in the literature in individuals with CDH1-related disease. This variant is not present in population databases (ExAC no frequency). This sequence change replaces isoleucine with leucine at codon 722 of the CDH1 protein (p.Ile722Leu). The isoleucine residue is moderately conserved and there is a small physicochemical difference between isoleucine and leucine.

NM_004360.5(CDH1):c.2164A>C (p.Ile722Leu)

Gene: CDH1 (cadherin 1; plus strand). Cytogenetic location: 16q22.1.
Variant type: single nucleotide variant.
Coding change: c.2164A>C on transcript NM_004360.5 (MANE Select); coding-DNA position 2164, A replaced by C.
Protein change: p.Ile722Leu; replaces isoleucine 722 with leucine.
Molecular consequence: missense variant.
Genome position (GRCh38, 1-based): chr16:68,823,626, A>C. VCF-style: chr16-68823626-A-C. GRCh37 (hg19) VCF-style: chr16-68857529-A-C.
Other names: c.2164A>C (LRG_301t1); c.1981A>C, p.Ile661Leu (NM_001317184.2); c.616A>C, p.Ile206Leu (NM_001317185.2); c.199A>C, p.Ile67Leu (NM_001317186.2); short protein forms I206L, I661L, I67L, I722L.
Identifiers: ClinVar variation 640088 (VCV000640088.9), dbSNP rs1596966182, ClinGen allele CA396467971.